The following is an entry in ClinVar:

NM_018294.6(CWF19L1):c.965-6A>G

Gene: CWF19L1 (CWF19 like cell cycle control factor 1; minus strand). Cytogenetic location: 10q24.31.
Variant type: single nucleotide variant.
Coding change: c.965-6A>G on transcript NM_018294.6 (MANE Select); 6 bases into the intron before coding-DNA position 965, A replaced by G.
Molecular consequence: intron variant.
Genome position (GRCh38, 1-based): chr10:100,243,783, T>C on the plus strand (A>G on the coding strand, the complement: CWF19L1 is on the minus strand). VCF-style: chr10-100243783-T-C. GRCh37 (hg19) VCF-style: chr10-102003540-T-C.
Other names: c.554-6A>G (NM_001303406.2, NM_001303405.2); c.230-6A>G (NM_001303407.2); c.965-6A>G (NM_001303404.2).
Identifiers: ClinVar variation 722957 (VCV000722957.27), dbSNP rs138382309, ClinGen allele CA5647002.

ClinVar aggregate classification (germline): Benign/Likely benign. Review status: criteria provided, multiple submitters, no conflicts (2 of 4 stars). 2 submissions from 2 submitters: Benign (1); Likely benign (1). Last evaluated 2023-11-01.

Allele frequency attached by ClinVar (database versions not stated): gnomAD exomes 0.00037; ExAC 0.00054; 1000 Genomes Project 30x 0.00125; 1000 Genomes Project 0.00140; ESP Exome Variant Server 0.00154; gnomAD 0.00158 and 0.00170; TOPMed 0.00177.
gnomAD v4.1: 487 of 1,613,622 alleles (0.03%); highest among the groups gnomAD compares: African/African-American, 0.56%; 2 homozygotes.

Submissions (2):

CeGaT Center for Human Genetics Tuebingen
Classification: Likely benign. Last evaluated: 2023-11-01. Review status: criteria provided, single submitter. Criteria: CeGaT Center For Human Genetics Tuebingen Variant Classification Criteria Version 2. Collection method: clinical testing. Allele origin: germline. Affected: yes. Observed: 1 variant allele.
Comment: CWF19L1: BP4

Labcorp Genetics (formerly Invitae), Labcorp
Classification: Benign. Last evaluated: 2019-12-31. Review status: criteria provided, single submitter. Criteria: Invitae Variant Classification Sherloc (09022015). Collection method: clinical testing. Allele origin: germline.